The following is an entry in ClinVar:

ClinVar aggregate classification (germline): Pathogenic (1 of 4 stars; one submission).

Conditions:
Developmental and epileptic encephalopathy, 9 (DEE9). Also called: PCDH19-Related X-Linked Female-Limited Epilepsy with Mental Retardation; JUBERG-HELLMAN SYNDROME; EPILEPSY, FEMALE-RESTRICTED, WITH MENTAL RETARDATION; Early infantile epileptic encephalopathy 9. Identifiers: Orphanet 101039, Orphanet 2076, MedGen C1848137, MONDO:0010246, OMIM 300088. Disease mechanism: loss of function.

Submission:

Labcorp Genetics (formerly Invitae), Labcorp
Classification: Pathogenic for Developmental and epileptic encephalopathy, 9. Last evaluated: 2021-07-06. Review status: criteria provided, single submitter. Criteria: Invitae Variant Classification Sherloc (09022015). Collection method: clinical testing. Allele origin: germline.
Comment: For these reasons, this variant has been classified as Pathogenic. This variant disrupts a region of the PCDH19 protein in which other variant(s) (p.Pro561Ser) have been determined to be pathogenic (PMID: 23708187, 30287595). This suggests that this is a clinically significant region of the protein, and that variants that disrupt it are likely to be disease-causing. A similar copy number variant has been observed in individual(s) with clinical features of PCDH19-related conditions (Invitae). In at least one individual the variant was observed to be de novo. This variant results in the deletion of exon 2 and part of exons 1 and 3 (c.780_2363del) of the PCDH19 gene. This variant would be expected to be in-frame, preserving the integrity of the reading frame.

Literature cited by the submitters: PubMed 23708187; PubMed 30287595.

NC_000023.10:g.(?_99657775)_(99662816_?)del

Gene: PCDH19 (protocadherin 19; minus strand). Cytogenetic location: Xq22.1.
Variant type: Deletion.
Identifiers: ClinVar variation 1455392 (VCV001455392.6).